The following is an entry in ClinVar:

ClinVar aggregate classification (germline): Likely pathogenic (1 of 4 stars; one submission).

Submission:

Dasa
Classification: Likely pathogenic. Last evaluated: 2025-11-20. Review status: criteria provided, single submitter. Criteria: DASA Assertion Criteria. Collection method: clinical testing. Allele origin: germline.
Comment: NM_015107.3(PHF8):c.2477del (p.Pro826Leufs*3) is a frameshift variant in PHF8 predicted to alter the reading frame and introduce a premature termination codon and is predicted to result in an absent or altered protein product. Loss of function is an established disease mechanism for PHF8 (PMID: 16199551; PMID: 17594395; PMID: 28135719). Also, this variant is absent from population databases. Based on the currently available evidence, this variant is classified as likely pathogenic.

Literature cited by the submitters: PubMed 16199551; PubMed 17594395; PubMed 28135719.

NM_015107.3(PHF8):c.2477del (p.Pro826fs)

Gene: PHF8 (PHD finger protein 8; minus strand). Cytogenetic location: Xp11.22.
Variant type: Deletion.
Coding change: c.2477del on transcript NM_015107.3 (MANE Select); coding-DNA position 2477, one base deleted (C; older notation c.2477delC).
Protein change: p.Pro826fs; shifts the reading frame from proline 826.
Molecular consequence: frameshift variant.
Genome position (GRCh38, 1-based): chrX:53,962,906, G deleted on the plus strand (C on the coding strand, the reverse complement: PHF8 is on the minus strand); the first of 3 consecutive G bases (chrX:53,962,906-53,962,908); deleting any one gives the same sequence. VCF-style (leftmost placement, unchanged base first): chrX-53962905-AG-A. GRCh37 (hg19) VCF-style: chrX-53989338-AG-A.
Other names: c.2585del, p.Pro862fs (NM_001184896.1, NM_001441097.1); c.2174del, p.Pro725fs (NM_001184897.2); c.2426del, p.Pro809fs (NM_001184898.2); c.2282del, p.Pro761fs (NM_001441096.1, NM_001441098.1); short protein forms P725fs, P761fs, P809fs, P826fs, P862fs.
Identifiers: ClinVar variation 4886472 (VCV004886472.2).
Genomic context (GRCh38, chrX:53,962,905, plus strand): 5'-TTTAGGACTCCATGGAGCATCATCTGAATTCTTCTTTTTCTTGGGTCGAGATTTCAAAGC[AG>A]GGTCATCATCATCAGACTCCAGTGAAGGATAGACTGCAGGGAGAAGGGAAAACAGGGTAA-3'